The following is an entry in ClinVar:

ClinVar aggregate classification (germline): other (0 of 4 stars; one submission).

Conditions:
Familial colorectal cancer. Identifiers: MedGen CN280943, MONDO:0023113. Disease mechanism: loss of function.

Submission:

Systems Biology Platform Zhejiang California International NanoSystems Institute
Classification: other for Familial colorectal cancer. Review status: no assertion criteria provided. Collection method: not provided. Allele origin: unknown.
ClinVar note: Converted during submission from cancer to other.

NC_000005.10:g.112851085G>T

Variant type: single nucleotide variant.
Genome position: GRCh38 VCF-style: chr5-112851085-G-T. GRCh37 (hg19) VCF-style: chr5-112186782-G-T.
Identifiers: ClinVar variation 82680 (VCV000082680.3), dbSNP rs78555612, ClinGen allele CA250820.